The following is an entry in ClinVar:

ClinVar aggregate classification (germline): Uncertain significance (1 of 4 stars; one submission).

Submission:

GeneDx
Classification: Uncertain significance. Last evaluated: 2025-05-19. Review status: criteria provided, single submitter. Criteria: GeneDx Variant Classification Process June 2021. Collection method: clinical testing. Allele origin: germline. Affected: yes.
Comment: Not observed at significant frequency in large population cohorts (gnomAD); In silico analysis supports that this missense variant has a deleterious effect on protein structure/function; Has not been previously published as pathogenic or benign to our knowledge

NM_177550.5(SLC13A5):c.418A>G (p.Ser140Gly)

Gene: SLC13A5 (solute carrier family 13 member 5; minus strand). Cytogenetic location: 17p13.1.
Variant type: single nucleotide variant.
Coding change: c.418A>G on transcript NM_177550.5 (MANE Select); coding-DNA position 418, A replaced by G.
Protein change: p.Ser140Gly; replaces serine 140 with glycine.
Molecular consequence: missense variant. On other transcripts: splice acceptor variant (1).
Genome position (GRCh38, 1-based): chr17:6,704,007, T>C on the plus strand (A>G on the coding strand, the complement: SLC13A5 is on the minus strand). VCF-style: chr17-6704007-T-C. GRCh37 (hg19) VCF-style: chr17-6607326-T-C.
Other names: c.418A>G, p.Ser140Gly (NM_001143838.3); c.289A>G, p.Ser97Gly (NM_001284510.2); c.369-2A>G (NM_001284509.2); short protein forms S140G, S97G.
Identifiers: ClinVar variation 4531005 (VCV004531005.1).
Genomic context (GRCh38, chr17:6,704,007, plus strand): 5'-CCATCTGCTGCAATATGGCCTCCACGATGGGCACCATCATGGCCGTGGTTGCCGTGTTAC[T>C]GATCCACATGGACAGGAGGGCTGTGACGCCCATGAAGCCCAGCATCAGCCTGCAGAGGAG-3'
Protein context (NP_808218.1, residues 130-150): GVTALLSMWI[Ser140Gly]NTATTAMMVP